The following is an entry in ClinVar:

ClinVar aggregate classification (germline): Uncertain significance (1 of 4 stars; one submission).

gnomAD v4.1: 1 of 1,613,964 alleles (0.000062%); highest among the groups gnomAD compares: South Asian, 0.0011%; no homozygotes.

Submission:

Labcorp Genetics (formerly Invitae), Labcorp
Classification: Uncertain significance. Last evaluated: 2023-10-03. Review status: criteria provided, single submitter. Criteria: Invitae Variant Classification Sherloc (09022015). Collection method: clinical testing. Allele origin: germline.
Comment: This sequence change replaces proline, which is neutral and non-polar, with serine, which is neutral and polar, at codon 1250 of the COL4A1 protein (p.Pro1250Ser). This variant is not present in population databases (gnomAD no frequency). This variant has not been reported in the literature in individuals affected with COL4A1-related conditions. An algorithm developed to predict the effect of missense changes on protein structure and function (PolyPhen-2) suggests that this variant is likely to be tolerated. In summary, the available evidence is currently insufficient to determine the role of this variant in disease. Therefore, it has been classified as a Variant of Uncertain Significance.

NM_001845.6(COL4A1):c.3748C>T (p.Pro1250Ser)

Gene: COL4A1 (collagen type IV alpha 1 chain; minus strand). Cytogenetic location: 13q34.
Variant type: single nucleotide variant.
Coding change: c.3748C>T on transcript NM_001845.6 (MANE Select); coding-DNA position 3748, C replaced by T.
Protein change: p.Pro1250Ser; replaces proline 1250 with serine.
Molecular consequence: missense variant.
Genome position (GRCh38, 1-based): chr13:110,169,757, G>A on the plus strand (C>T on the coding strand, the complement: COL4A1 is on the minus strand). VCF-style: chr13-110169757-G-A. GRCh37 (hg19) VCF-style: chr13-110822104-G-A.
Other names: short protein forms P1250S.
Identifiers: ClinVar variation 2821189 (VCV002821189.3), dbSNP rs144403132, ClinGen allele CA388662081.